The following is an entry in ClinVar:

NM_001394062.1(MACF1):c.4137G>C (p.Glu1379Asp)

Gene: MACF1 (microtubule actin crosslinking factor 1; plus strand). Cytogenetic location: 1p34.3.
Variant type: single nucleotide variant.
Coding change: c.4137G>C on transcript NM_001394062.1 (MANE Select); coding-DNA position 4137, G replaced by C.
Protein change: p.Glu1379Asp; replaces glutamic acid 1379 with aspartic acid.
Molecular consequence: missense variant.
Genome position (GRCh38, 1-based): chr1:39,322,715, G>C. VCF-style: chr1-39322715-G-C. GRCh37 (hg19) VCF-style: chr1-39788387-G-C.
Other names: c.4152G>C, p.Glu1384Asp (NM_012090.5); short protein forms E1379D, E1384D.
Identifiers: ClinVar variation 3364097 (VCV003364097.1).

ClinVar aggregate classification (germline): Uncertain significance (1 of 4 stars; one submission).

Submission:

GeneDx
Classification: Uncertain significance. Last evaluated: 2023-11-12. Review status: criteria provided, single submitter. Criteria: GeneDx Variant Classification Process June 2021. Collection method: clinical testing. Allele origin: germline. Affected: yes.
Comment: Not observed at significant frequency in large population cohorts (gnomAD); In silico analysis supports that this missense variant has a deleterious effect on protein structure/function; In silico analysis suggests this variant may impact gene splicing. In the absence of RNA/functional studies, the actual effect of this sequence change is unknown.; Has not been previously published as pathogenic or benign to our knowledge